The following is an entry in ClinVar:

NM_000368.5(TSC1):c.1416del (p.Ser472fs)

Gene: TSC1 (TSC complex subunit 1; minus strand). Cytogenetic location: 9q34.13.
Variant type: Deletion.
Coding change: c.1416del on transcript NM_000368.5 (MANE Select); coding-DNA position 1416, one base deleted (T; older notation c.1416delT).
Protein change: p.Ser472fs; shifts the reading frame from serine 472.
Molecular consequence: frameshift variant. On other transcripts: non-coding transcript variant (5).
Genome position (GRCh38, 1-based): chr9:132,906,753, A deleted on the plus strand (T on the coding strand, the reverse complement: TSC1 is on the minus strand). VCF-style (leftmost placement, unchanged base first): chr9-132906752-TA-T. GRCh37 (hg19) VCF-style: chr9-135782139-TA-T.
Other names: c.1413del, p.Ser471fs (NM_001162426.2, NM_001406597.1, NM_001406598.1 and 6 more transcripts); c.1263del, p.Ser421fs (NM_001162427.2, NM_001406610.1); c.1053del, p.Ser351fs (NM_001362177.2, NM_001406614.1, NM_001406615.1 and 5 more transcripts); c.1416del, p.Ser472fs (NM_001406592.1, NM_001406593.1, NM_001406594.1 and 7 more transcripts); c.1260del, p.Ser420fs (NM_001406611.1, NM_001406612.1, NM_001406613.1); c.1050del, p.Ser350fs (NM_001406620.1, NM_001406621.1, NM_001406622.1 and 2 more transcripts); c.465del, p.Ser155fs (NM_001406626.1); c.462del, p.Ser154fs (NM_001406627.1, NM_001406628.1); and 1 more; short protein forms S121fs, S154fs, S155fs, S350fs, S351fs, S420fs, S421fs, S471fs.
Identifiers: ClinVar variation 2632523 (VCV002632523.1), dbSNP rs2538766989, ClinGen allele CA2695199435.

ClinVar aggregate classification (germline): Pathogenic (1 of 4 stars; one submission).

Conditions:
TSC1-related disorder. Also called: TSC1-related condition.

Submission:

PreventionGenetics, part of Exact Sciences
Classification: Pathogenic for TSC1-related condition. Last evaluated: 2023-06-06. Review status: criteria provided, single submitter. Criteria: ACMG Guidelines, 2015. Collection method: clinical testing. Allele origin: germline.
Comment: The TSC1 c.1416delT variant is predicted to result in a frameshift and premature protein termination (p.Ser472Argfs*60). To our knowledge, this variant has not been reported in the literature or in a large population database, indicating this variant is rare. Frameshift variants in TSC1 are expected to be pathogenic. This variant is interpreted as pathogenic.